The following is an entry in ClinVar:

ClinVar aggregate classification (germline): Uncertain significance (1 of 4 stars; one submission).

Conditions:
Rafiq syndrome (RAFQS). Identifiers: Orphanet 88616, MedGen C3280127, MONDO:0013624, OMIM 614202.

Allele frequency attached by ClinVar (database versions not stated): ExAC 0.00001; gnomAD exomes 0.00001.

Submission:

Labcorp Genetics (formerly Invitae), Labcorp
Classification: Uncertain significance for Rafiq syndrome. Last evaluated: 2020-11-23. Review status: criteria provided, single submitter. Criteria: Invitae Variant Classification Sherloc (09022015). Collection method: clinical testing. Allele origin: germline.
Comment: In summary, the available evidence is currently insufficient to determine the role of this variant in disease. Therefore, it has been classified as a Variant of Uncertain Significance. Algorithms developed to predict the effect of sequence changes on RNA splicing suggest that this variant may create or strengthen a splice site, but this prediction has not been confirmed by published transcriptional studies. This variant has not been reported in the literature in individuals with MAN1B1-related conditions. This variant is present in population databases (rs760066464, ExAC 0.01%). This sequence change falls in intron 3 of the MAN1B1 gene. It does not directly change the encoded amino acid sequence of the MAN1B1 protein.

NM_016219.5(MAN1B1):c.466-12A>G

Gene: MAN1B1 (mannosidase alpha class 1B member 1; plus strand). Cytogenetic location: 9q34.3.
Variant type: single nucleotide variant.
Coding change: c.466-12A>G on transcript NM_016219.5 (MANE Select); 12 bases into the intron before coding-DNA position 466, A replaced by G.
Molecular consequence: intron variant.
Genome position (GRCh38, 1-based): chr9:137,096,225, A>G. VCF-style: chr9-137096225-A-G. GRCh37 (hg19) VCF-style: chr9-139990677-A-G.
Identifiers: ClinVar variation 1411598 (VCV001411598.8), dbSNP rs760066464, ClinGen allele CA5358668.